The following is an entry in ClinVar:

ClinVar aggregate classification (germline): Uncertain significance (1 of 4 stars; one submission).

Conditions:
Immunodeficiency, common variable, 2 (CVID2). Also called: ANTIBODY DEFICIENCY DUE TO TACI DEFECT; HYPOGAMMAGLOBULINEMIA DUE TO TACI DEFICIENCY. Identifiers: Orphanet 1572, MedGen C3150354, MONDO:0009413, OMIM 240500.

Submission:

Labcorp Genetics (formerly Invitae), Labcorp
Classification: Uncertain significance for Immunodeficiency, common variable, 2. Last evaluated: 2023-05-08. Review status: criteria provided, single submitter. Criteria: Invitae Variant Classification Sherloc (09022015). Collection method: clinical testing. Allele origin: germline.
Comment: In summary, the available evidence is currently insufficient to determine the role of this variant in disease. Therefore, it has been classified as a Variant of Uncertain Significance. This sequence change creates a premature translational stop signal (p.Asp191Ilefs*30) in the TNFRSF13B gene. While this is not anticipated to result in nonsense mediated decay, it is expected to disrupt the last 103 amino acid(s) of the TNFRSF13B protein. This variant is present in population databases (rs748653062, gnomAD 0.0009%). This variant has not been reported in the literature in individuals affected with TNFRSF13B-related conditions. Experimental studies and prediction algorithms are not available or were not evaluated, and the functional significance of this variant is currently unknown.

NM_012452.3(TNFRSF13B):c.571del (p.Asp191fs)

Gene: TNFRSF13B (TNF receptor superfamily member 13B; minus strand). Cytogenetic location: 17p11.2.
Variant type: Deletion.
Coding change: c.571del on transcript NM_012452.3 (MANE Select); coding-DNA position 571, one base deleted (G; older notation c.571delG).
Protein change: p.Asp191fs; shifts the reading frame from aspartic acid 191.
Molecular consequence: frameshift variant.
Genome position (GRCh38, 1-based): chr17:16,940,386, C deleted on the plus strand (G on the coding strand, the reverse complement: TNFRSF13B is on the minus strand); the first of 6 consecutive C bases (chr17:16,940,386-16,940,391); deleting any one gives the same sequence. VCF-style (leftmost placement, unchanged base first): chr17-16940385-TC-T. GRCh37 (hg19) VCF-style: chr17-16843699-TC-T.
Other names: short protein forms D191fs.
Identifiers: ClinVar variation 2872089 (VCV002872089.2), dbSNP rs72553884, ClinGen allele CA8413941.